The following is an entry in ClinVar:

NM_005751.5(AKAP9):c.3250C>T (p.Leu1084Phe)

Gene: AKAP9 (A-kinase anchoring protein 9; plus strand). Cytogenetic location: 7q21.2.
Variant type: single nucleotide variant.
Coding change: c.3250C>T on transcript NM_005751.5 (MANE Select); coding-DNA position 3250, C replaced by T.
Protein change: p.Leu1084Phe; replaces leucine 1084 with phenylalanine.
Molecular consequence: missense variant.
Genome position (GRCh38, 1-based): chr7:92,003,167, C>T. VCF-style: chr7-92003167-C-T. GRCh37 (hg19) VCF-style: chr7-91632481-C-T.
Other names: c.3250C>T, p.Leu1084Phe (NM_147185.3); short protein forms L1084F.
Identifiers: ClinVar variation 1993755 (VCV001993755.4), dbSNP rs1799377192, ClinGen allele CA368126632.

ClinVar aggregate classification (germline): Uncertain significance (1 of 4 stars; one submission).

Conditions:
Long QT syndrome (LQTS). Identifiers: MedGen C0023976, MeSH D008133, MONDO:0002442. Disease mechanism: loss of function. Inheritance: Various modes of inheritance.

Allele frequency attached by ClinVar (database versions not stated): gnomAD exomes below 0.00001.
gnomAD v4.1: 1 of 1,611,380 alleles (0.000062%); highest among the groups gnomAD compares: Non-Finnish European, 0.000085%; no homozygotes.

Submission:

Labcorp Genetics (formerly Invitae), Labcorp
Classification: Uncertain significance for Long QT syndrome. Last evaluated: 2022-06-13. Review status: criteria provided, single submitter. Criteria: Invitae Variant Classification Sherloc (09022015). Collection method: clinical testing. Allele origin: germline.
Comment: In summary, the available evidence is currently insufficient to determine the role of this variant in disease. Therefore, it has been classified as a Variant of Uncertain Significance. Algorithms developed to predict the effect of missense changes on protein structure and function output the following: SIFT: "Tolerated"; PolyPhen-2: "Benign"; Align-GVGD: "Class C0". The phenylalanine amino acid residue is found in multiple mammalian species, which suggests that this missense change does not adversely affect protein function. This variant has not been reported in the literature in individuals affected with AKAP9-related conditions. This variant is not present in population databases (gnomAD no frequency). This sequence change replaces leucine, which is neutral and non-polar, with phenylalanine, which is neutral and non-polar, at codon 1084 of the AKAP9 protein (p.Leu1084Phe).